The following is an entry in ClinVar:

NM_006267.5(RANBP2):c.9292G>T (p.Ala3098Ser)

Gene: RANBP2 (RAN binding protein 2; plus strand). Cytogenetic location: 2q13.
Variant type: single nucleotide variant.
Coding change: c.9292G>T on transcript NM_006267.5 (MANE Select); coding-DNA position 9292, G replaced by T.
Protein change: p.Ala3098Ser; replaces alanine 3098 with serine.
Molecular consequence: missense variant.
Genome position (GRCh38, 1-based): chr2:108,782,785, G>T. VCF-style: chr2-108782785-G-T. GRCh37 (hg19) VCF-style: chr2-109399241-G-T.
Other names: short protein forms A3098S.
Identifiers: ClinVar variation 646055 (VCV000646055.9), dbSNP rs1573859262, ClinGen allele CA348085607.

ClinVar aggregate classification (germline): Uncertain significance (1 of 4 stars; one submission).

Conditions:
Familial acute necrotizing encephalopathy (IIAE3). Also called: Susceptibility to Acute Necrotizing Encephalopathy 1; ENCEPHALOPATHY, ACUTE, INFECTION-INDUCED, SUSCEPTIBILITY TO, 3. Identifiers: Orphanet 88619, MedGen C2675556, MONDO:0011953, OMIM 608033.

Allele frequency attached by ClinVar (database versions not stated): TOPMed below 0.00001.
gnomAD v4.1: 1 of 1,614,166 alleles (0.000062%); highest among the groups gnomAD compares: Non-Finnish European, 0.000085%; no homozygotes.

Submission:

Labcorp Genetics (formerly Invitae), Labcorp
Classification: Uncertain significance for Familial acute necrotizing encephalopathy. Last evaluated: 2018-11-21. Review status: criteria provided, single submitter. Criteria: Invitae Variant Classification Sherloc (09022015). Collection method: clinical testing. Allele origin: germline.
Comment: This sequence change replaces alanine with serine at codon 3098 of the RANBP2 protein (p.Ala3098Ser). The alanine residue is highly conserved and there is a moderate physicochemical difference between alanine and serine. This variant is not present in population databases (ExAC no frequency). This variant has not been reported in the literature in individuals with RANBP2-related disease. Algorithms developed to predict the effect of missense changes on protein structure and function (SIFT, PolyPhen-2, Align-GVGD) all suggest that this variant is likely to be disruptive, but these predictions have not been confirmed by published functional studies and their clinical significance is uncertain. In summary, the available evidence is currently insufficient to determine the role of this variant in disease. Therefore, it has been classified as a Variant of Uncertain Significance.